The following is an entry in ClinVar:

NM_001278689.2(EOGT):c.334G>A (p.Glu112Lys)

Gene: EOGT (EGF domain specific O-linked N-acetylglucosamine transferase; minus strand). Cytogenetic location: 3p14.1.
Variant type: single nucleotide variant.
Coding change: c.334G>A on transcript NM_001278689.2 (MANE Select); coding-DNA position 334, G replaced by A.
Protein change: p.Glu112Lys; replaces glutamic acid 112 with lysine.
Molecular consequence: missense variant. On other transcripts: non-coding transcript variant (1).
Genome position (GRCh38, 1-based): chr3:69,007,799, C>T on the plus strand (G>A on the coding strand, the complement: EOGT is on the minus strand). VCF-style: chr3-69007799-C-T. GRCh37 (hg19) VCF-style: chr3-69056950-C-T.
Other names: c.334G>A, p.Glu112Lys (NM_173654.3); short protein forms E112K.
Identifiers: ClinVar variation 1408115 (VCV001408115.6), dbSNP rs200038187, ClinGen allele CA2486959.

ClinVar aggregate classification (germline): Uncertain significance. Review status: criteria provided, multiple submitters, no conflicts (2 of 4 stars). 2 submissions from 2 submitters: Uncertain significance (2). Last evaluated 2024-10-17.

Conditions:
Adams-Oliver syndrome 4 (AOS4). Identifiers: Orphanet 974, MedGen C3809092, MONDO:0014124, OMIM 615297.

Allele frequency attached by ClinVar (database versions not stated): gnomAD 0.00002; TOPMed 0.00003; ExAC 0.00004; gnomAD exomes 0.00005.
gnomAD v4.1: 75 of 1,612,196 alleles (0.0047%); highest among the groups gnomAD compares: Admixed American, 0.01%; no homozygotes.

Submissions (2):

Blueprint Genetics
Classification: Uncertain significance. Last evaluated: 2024-10-17. Review status: criteria provided, single submitter. Criteria: ACMG Guidelines, 2015. Collection method: clinical testing. Allele origin: germline.

Labcorp Genetics (formerly Invitae), Labcorp
Classification: Uncertain significance for Adams-Oliver syndrome 4. Last evaluated: 2021-09-24. Review status: criteria provided, single submitter. Criteria: Invitae Variant Classification Sherloc (09022015). Collection method: clinical testing. Allele origin: germline.
Comment: This sequence change replaces glutamic acid with lysine at codon 112 of the EOGT protein (p.Glu112Lys). The glutamic acid residue is weakly conserved and there is a small physicochemical difference between glutamic acid and lysine. This variant is present in population databases (rs200038187, ExAC 0.02%). This variant has not been reported in the literature in individuals with EOGT-related conditions. Algorithms developed to predict the effect of missense changes on protein structure and function output the following: SIFT: "Tolerated"; PolyPhen-2: "Benign"; Align-GVGD: "Class C0". The lysine amino acid residue is found in multiple mammalian species, suggesting that this missense change does not adversely affect protein function. These predictions have not been confirmed by published functional studies and their clinical significance is uncertain. In summary, the available evidence is currently insufficient to determine the role of this variant in disease. Therefore, it has been classified as a Variant of Uncertain Significance.